The following is an entry in ClinVar:

NM_144687.4(NLRP12):c.298C>T (p.Pro100Ser)

Gene: NLRP12 (NLR family pyrin domain containing 12; minus strand). Cytogenetic location: 19q13.42.
Variant type: single nucleotide variant.
Coding change: c.298C>T on transcript NM_144687.4 (MANE Select); coding-DNA position 298, C replaced by T.
Protein change: p.Pro100Ser; replaces proline 100 with serine.
Molecular consequence: missense variant.
Genome position (GRCh38, 1-based): chr19:53,814,980, G>A on the plus strand (C>T on the coding strand, the complement: NLRP12 is on the minus strand). VCF-style: chr19-53814980-G-A. GRCh37 (hg19) VCF-style: chr19-54318234-G-A.
Other names: c.298C>T (NM_144687.2); c.298C>T, p.Pro100Ser (NM_001277126.2, NM_001277129.1); short protein forms P100S.
Identifiers: ClinVar variation 330044 (VCV000330044.27), dbSNP rs200813801, ClinGen allele CA9639769.

ClinVar aggregate classification (germline): Conflicting classifications of pathogenicity. Review status: criteria provided, conflicting classifications (1 of 4 stars). 7 submissions from 7 submitters: Uncertain significance (2); Benign (1); Likely benign (3). 1 of the submissions does not count toward it. Last evaluated 2026-01-15.

Conditions:
NLRP12-related disorder. Also called: NLRP12-related condition; NLRP12-related conditions.
Familial cold autoinflammatory syndrome 2 (FCAS2). Identifiers: Orphanet 247868, MedGen C2673198, MONDO:0012724, OMIM 611762.
Autoinflammatory syndrome. Identifiers: Orphanet 93665, MedGen C3890737, MONDO:0019751.
Inborn genetic diseases. Identifiers: MedGen C0950123, MeSH D030342.

Allele frequency attached by ClinVar (database versions not stated): 1000 Genomes Project 0.00020; 1000 Genomes Project 30x 0.00031; ESP Exome Variant Server 0.00031; gnomAD 0.00036 and 0.00041; TOPMed 0.00068.
gnomAD v4.1: 492 of 1,613,650 alleles (0.03%); highest among the groups gnomAD compares: Admixed American, 0.11%; no homozygotes.

Submissions (7):

Labcorp Genetics (formerly Invitae), Labcorp
Classification: Likely benign for Familial cold autoinflammatory syndrome 2. Last evaluated: 2026-01-15. Review status: criteria provided, single submitter. Criteria: Invitae Variant Classification Sherloc (09022015). Collection method: clinical testing. Allele origin: germline.

CeGaT Center for Human Genetics Tuebingen
Classification: Likely benign. Last evaluated: 2025-12-01. Review status: criteria provided, single submitter. Criteria: CeGaT Center For Human Genetics Tuebingen Variant Classification Criteria Version 2. Collection method: clinical testing. Allele origin: germline. Affected: yes. Observed: 1 variant allele.
Comment: NLRP12: BP4, BS2

Ambry Genetics
Classification: Uncertain significance for Inborn genetic diseases. Last evaluated: 2021-09-01. Review status: criteria provided, single submitter. Criteria: Ambry Variant Classification Scheme 2023. Collection method: clinical testing. Allele origin: germline.

Illumina Laboratory Services, Illumina
Classification: Benign for Familial cold autoinflammatory syndrome 2. Last evaluated: 2018-01-12. Review status: criteria provided, single submitter. Criteria: ICSL Variant Classification Criteria 13 December 2019. Collection method: clinical testing. Allele origin: germline.
Comment: This variant was observed in the ICSL laboratory as part of a predisposition screen in an ostensibly healthy population. It had not been previously curated by ICSL or reported in the Human Gene Mutation Database (HGMD: prior to June 1st, 2018), and was therefore a candidate for classification through an automated scoring system. Utilizing variant allele frequency, disease prevalence and penetrance estimates, and inheritance mode, an automated score was calculated to assess if this variant is too frequent to cause the disease. Based on the score and internal cut-off values, a variant classified as benign is not then subjected to further curation. The score for this variant resulted in a classification of benign for this disease.

Genome Diagnostics Laboratory, The Hospital for Sick Children
Classification: Uncertain significance for Autoinflammatory syndrome. Last evaluated: 2017-05-05. Review status: criteria provided, single submitter. Criteria: ACMG Guidelines, 2015. Collection method: clinical testing. Allele origin: germline. Affected: yes.

Breakthrough Genomics
Classification: Likely benign. Review status: criteria provided, single submitter. Criteria: ACMG Guidelines, 2015. Collection method: not provided. Allele origin: germline. Inheritance: Autosomal dominant inheritance. Affected: yes.

PreventionGenetics, part of Exact Sciences
Classification: Likely benign for NLRP12-related condition. Last evaluated: 2019-08-30. Review status: no assertion criteria provided. Collection method: clinical testing. Allele origin: germline. Not counted in ClinVar's aggregate classification.
Comment: This variant is classified as likely benign based on ACMG/AMP sequence variant interpretation guidelines (Richards et al. 2015 PMID: 25741868, with internal and published modifications).